The following is an entry in ClinVar:

ClinVar aggregate classification (germline): Uncertain significance (1 of 4 stars; one submission).

Conditions:
Immunodeficiency 67. Also called: Immunodeficiency due to interleukin-1 receptor-associated kinase-4 deficiency. Identifiers: Orphanet 70592, MedGen C1843256, MONDO:0011888, OMIM 607676.

Allele frequency attached by ClinVar (database versions not stated): gnomAD exomes below 0.00001.
gnomAD v4.1: 2 of 1,613,522 alleles (0.00012%); highest among the groups gnomAD compares: Admixed American, 0.0033%; no homozygotes.

Submission:

Labcorp Genetics (formerly Invitae), Labcorp
Classification: Uncertain significance for Immunodeficiency 67. Last evaluated: 2022-06-09. Review status: criteria provided, single submitter. Criteria: Invitae Variant Classification Sherloc (09022015). Collection method: clinical testing. Allele origin: germline.
Comment: In summary, the available evidence is currently insufficient to determine the role of this variant in disease. Therefore, it has been classified as a Variant of Uncertain Significance. Advanced modeling of protein sequence and biophysical properties (such as structural, functional, and spatial information, amino acid conservation, physicochemical variation, residue mobility, and thermodynamic stability) performed at Invitae indicates that this missense variant is not expected to disrupt IRAK4 protein function. This variant has not been reported in the literature in individuals affected with IRAK4-related conditions. This variant is present in population databases (no rsID available, gnomAD 0.003%). This sequence change replaces threonine, which is neutral and polar, with alanine, which is neutral and non-polar, at codon 111 of the IRAK4 protein (p.Thr111Ala).

NM_016123.4(IRAK4):c.331A>G (p.Thr111Ala)

Gene: IRAK4 (interleukin 1 receptor associated kinase 4; plus strand). Cytogenetic location: 12q12.
Variant type: single nucleotide variant.
Coding change: c.331A>G on transcript NM_016123.4 (MANE Select); coding-DNA position 331, A replaced by G.
Protein change: p.Thr111Ala; replaces threonine 111 with alanine.
Molecular consequence: missense variant. On other transcripts: 5 prime UTR variant (10).
Genome position (GRCh38, 1-based): chr12:43,772,203, A>G. VCF-style: chr12-43772203-A-G. GRCh37 (hg19) VCF-style: chr12-44166006-A-G.
Other names: c.331A>G, p.Thr111Ala (NM_001114182.3, NM_001351345.2); c.-42A>G (NM_001145256.2, NM_001145257.2, NM_001145258.2 and 5 more transcripts); c.-193A>G (NM_001351343.2, NM_001351344.2); short protein forms T111A.
Identifiers: ClinVar variation 2076530 (VCV002076530.4), dbSNP rs1341505359, ClinGen allele CA384468604.